The following is an entry in ClinVar:

NM_021072.4(HCN1):c.413A>T (p.Tyr138Phe)

Gene: HCN1 (hyperpolarization activated cyclic nucleotide gated potassium channel 1; minus strand). Cytogenetic location: 5p12.
Variant type: single nucleotide variant.
Coding change: c.413A>T on transcript NM_021072.4 (MANE Select); coding-DNA position 413, A replaced by T.
Protein change: p.Tyr138Phe; replaces tyrosine 138 with phenylalanine.
Molecular consequence: missense variant.
Genome position (GRCh38, 1-based): chr5:45,695,681, T>A on the plus strand (A>T on the coding strand, the complement: HCN1 is on the minus strand). VCF-style: chr5-45695681-T-A. GRCh37 (hg19) VCF-style: chr5-45695783-T-A.
Other names: c.413A>T (NM_021072.3); short protein forms Y138F.
Identifiers: ClinVar variation 3693451 (VCV003693451.3).

ClinVar aggregate classification (germline): Uncertain significance. Review status: criteria provided, multiple submitters, no conflicts (2 of 4 stars). 2 submissions from 2 submitters: Uncertain significance (2). Last evaluated 2024-11-18.

Conditions:
Early-infantile DEE. Also called: Ohtahara syndrome; Early infantile epileptic encephalopathy with suppression bursts; Early infantile epileptic encephalopathy. Identifiers: Orphanet 1934, MedGen C0393706, MONDO:0800491.

Submissions (2):

GeneDx
Classification: Uncertain significance. Last evaluated: 2024-11-18. Review status: criteria provided, single submitter. Criteria: GeneDx Variant Classification Process June 2021. Collection method: clinical testing. Allele origin: germline. Affected: yes.
Comment: Not observed at significant frequency in large population cohorts (gnomAD); In silico analysis supports that this missense variant has a deleterious effect on protein structure/function; Has not been previously published as pathogenic or benign to our knowledge

Labcorp Genetics (formerly Invitae), Labcorp
Classification: Uncertain significance for Early-infantile DEE. Last evaluated: 2024-08-20. Review status: criteria provided, single submitter. Criteria: Invitae Variant Classification Sherloc (09022015). Collection method: clinical testing. Allele origin: germline.
Comment: This sequence change replaces tyrosine, which is neutral and polar, with phenylalanine, which is neutral and non-polar, at codon 138 of the HCN1 protein (p.Tyr138Phe). This variant is not present in population databases (gnomAD no frequency). This variant has not been reported in the literature in individuals affected with HCN1-related conditions. Invitae Evidence Modeling of protein sequence and biophysical properties (such as structural, functional, and spatial information, amino acid conservation, physicochemical variation, residue mobility, and thermodynamic stability) indicates that this missense variant is not expected to disrupt HCN1 protein function with a negative predictive value of 80%. In summary, the available evidence is currently insufficient to determine the role of this variant in disease. Therefore, it has been classified as a Variant of Uncertain Significance.